The following is an entry in ClinVar:

ClinVar aggregate classification (germline): Uncertain significance (1 of 4 stars; one submission).

Conditions:
Progressive sclerosing poliodystrophy (MTDPS4A). Also called: NEURONAL DEGENERATION OF CHILDHOOD WITH LIVER DISEASE, PROGRESSIVE; Alpers Syndrome; Alpers-Huttenlocher Syndrome (AHS); ALPERS PROGRESSIVE INFANTILE POLIODYSTROPHY; Mitochondrial DNA Depletion Syndrome 4A; ALPERS DIFFUSE DEGENERATION OF CEREBRAL GRAY MATTER WITH HEPATIC CIRRHOSIS. Identifiers: Orphanet 726, MedGen C0205710, MONDO:0008758, OMIM 203700.

Submission:

Labcorp Genetics (formerly Invitae), Labcorp
Classification: Uncertain significance for Progressive sclerosing poliodystrophy. Last evaluated: 2025-09-23. Review status: criteria provided, single submitter. Criteria: Invitae Variant Classification Sherloc (09022015). Collection method: clinical testing. Allele origin: germline.
Comment: This sequence change replaces leucine, which is neutral and non-polar, with valine, which is neutral and non-polar, at codon 356 of the POLG protein (p.Leu356Val). This variant is not present in population databases (gnomAD no frequency). This variant has not been reported in the literature in individuals affected with POLG-related conditions. ClinVar contains an entry for this variant (Variation ID: 842148). Invitae Evidence Modeling of protein sequence and biophysical properties (such as structural, functional, and spatial information, amino acid conservation, physicochemical variation, residue mobility, and thermodynamic stability) indicates that this missense variant is expected to disrupt POLG protein function with a positive predictive value of 95%. In summary, the available evidence is currently insufficient to determine the role of this variant in disease. Therefore, it has been classified as a Variant of Uncertain Significance.

NM_002693.3(POLG):c.1066C>G (p.Leu356Val)

Gene: POLG (DNA polymerase gamma, catalytic subunit; minus strand). Cytogenetic location: 15q26.1.
Variant type: single nucleotide variant.
Coding change: c.1066C>G on transcript NM_002693.3 (MANE Select); coding-DNA position 1066, C replaced by G.
Protein change: p.Leu356Val; replaces leucine 356 with valine.
Molecular consequence: missense variant.
Genome position (GRCh38, 1-based): chr15:89,328,789, G>C on the plus strand (C>G on the coding strand, the complement: POLG is on the minus strand). VCF-style: chr15-89328789-G-C. GRCh37 (hg19) VCF-style: chr15-89872020-G-C.
Other names: c.1066C>G, p.Leu356Val (NM_001126131.2); short protein forms L356V.
Identifiers: ClinVar variation 842148 (VCV000842148.10), dbSNP rs371431444, ClinGen allele CA393765034.